The following is an entry in ClinVar:

ClinVar aggregate classification (germline): Pathogenic (1 of 4 stars; one submission).

Conditions:
Hereditary cancer-predisposing syndrome. Also called: Hereditary Cancer Syndrome; Neoplastic Syndromes, Hereditary; Tumor predisposition; Hereditary neoplastic syndrome. Identifiers: Orphanet 140162, MedGen C0027672, MeSH D009386, MONDO:0015356.

Submission:

Ambry Genetics
Classification: Pathogenic for Hereditary cancer-predisposing syndrome. Last evaluated: 2020-08-26. Review status: criteria provided, single submitter. Criteria: Ambry Variant Classification Scheme 2023. Collection method: clinical testing. Allele origin: germline.
Comment: The c.5442_5443delGA pathogenic mutation, located in coding exon 15 of the APC gene, results from a deletion of two nucleotides at nucleotide positions 5442 to 5443, causing a translational frameshift with a predicted alternate stop codon (p.N1815Ffs*4). This alteration occurs at the 3' terminus of APC gene, is not expected to trigger nonsense-mediated mRNA decay, and impacts the last 1026 amino acids of the protein. However, premature stop codons are typically deleterious in nature and multiple pathogenic truncating mutations have been reported downstream of this alteration in patients with a personal and/or family history of polyposis (Ambry internal data). This variant was not reported in population-based cohorts in the Genome Aggregation Database (gnomAD). Based on the supporting evidence, this alteration is interpreted as a disease-causing mutation.

NM_000038.6(APC):c.5442_5443del (p.Asn1815fs)

Gene: APC (APC regulator of Wnt signaling pathway; plus strand). Cytogenetic location: 5q22.2.
Variant type: Deletion.
Coding change: c.5442_5443del on transcript NM_000038.6 (MANE Select); coding-DNA positions 5442 to 5443, 2 bases deleted (GA; older notation c.5442_5443delGA).
Protein change: p.Asn1815fs; shifts the reading frame from asparagine 1815.
Molecular consequence: frameshift variant.
Genome position (GRCh38, 1-based): chr5:112,841,036-112,841,037, GA deleted; deleting any 2 consecutive bases within chr5:112,841,035-112,841,037 gives the same sequence; the c. name uses the placement nearest the transcript's 3' end. VCF-style (leftmost placement, unchanged base first): chr5-112841034-CAG-C. GRCh37 (hg19) VCF-style: chr5-112176731-CAG-C.
Other names: c.5526_5527delGA, p.Asn1843Phefs (NM_001407446.1); c.5496_5497delGA, p.Asn1833Phefs (NM_001407447.1, NM_001407448.1, NM_001407449.1); c.5442_5443delGA, p.Asn1815Phefs (NM_001407450.1); c.5421_5422delGA, p.Asn1808Phefs (NM_001407451.1); c.5412_5413delGA, p.Asn1805Phefs (NM_001407452.1); c.5265_5266delGA, p.Asn1756Phefs (NM_001407453.1); c.5193_5194delGA, p.Asn1732Phefs (NM_001407454.1, NM_001407455.1, NM_001407456.1 and 1 more transcripts); c.5139_5140delGA, p.Asn1714Phefs (NM_001407458.1, NM_001407459.1, NM_001407460.1); and 16 more; short protein forms N1655fs, N1689fs, N1790fs, N1532fs, N1815fs, N1833fs, N1724fs, N1797fs.
Identifiers: ClinVar variation 1747559 (VCV001747559.2), dbSNP rs2533644088, ClinGen allele CA2580072633.